The following is an entry in ClinVar:

ClinVar aggregate classification (germline): Pathogenic. Review status: criteria provided, multiple submitters, no conflicts (2 of 4 stars). 2 submissions from 2 submitters: Pathogenic (2). Last evaluated 2023-01-11.

Conditions:
Hereditary cancer-predisposing syndrome. Also called: Hereditary Cancer Syndrome; Hereditary neoplastic syndrome; Tumor predisposition; Neoplastic Syndromes, Hereditary. Identifiers: Orphanet 140162, MedGen C0027672, MeSH D009386, MONDO:0015356.
Familial cancer of breast. Also called: BREAST CANCER, FAMILIAL; Hereditary breast cancer; hereditary breast carcinoma. Identifiers: Orphanet 227535, MedGen C0346153, MONDO:0016419, OMIM 114480. Disease mechanism: loss of function.

Submissions (2):

Myriad Genetics, Inc.
Classification: Pathogenic for Familial cancer of breast. Last evaluated: 2023-01-11. Review status: criteria provided, single submitter. Criteria: Myriad Autosomal Dominant, Autosomal Recessive and X-Linked Classification Criteria (2023). Collection method: clinical testing. Allele origin: unknown.
Comment: This variant is considered pathogenic. This variant creates a termination codon and is predicted to result in premature protein truncation.

Ambry Genetics
Classification: Pathogenic for Hereditary cancer-predisposing syndrome. Last evaluated: 2022-01-28. Review status: criteria provided, single submitter. Criteria: Ambry Variant Classification Scheme 2023. Collection method: clinical testing. Allele origin: germline.
Comment: The p.E79* pathogenic mutation (also known as c.235G>T), located in coding exon 1 of the CHEK2 gene, results from a G to T substitution at nucleotide position 235. This changes the amino acid from a glutamic acid to a stop codon within coding exon 1. This variant is considered to be rare based on population cohorts in the Genome Aggregation Database (gnomAD). This alteration is expected to result in loss of function by premature protein truncation or nonsense-mediated mRNA decay. As such, this alteration is interpreted as a disease-causing mutation.

NM_007194.4(CHEK2):c.235G>T (p.Glu79Ter)

Gene: CHEK2 (checkpoint kinase 2; minus strand). Cytogenetic location: 22q12.1.
Variant type: single nucleotide variant.
Coding change: c.235G>T on transcript NM_007194.4 (MANE Select); coding-DNA position 235, G replaced by T.
Protein change: p.Glu79Ter; replaces glutamic acid 79 with a stop codon.
Molecular consequence: nonsense.
Genome position (GRCh38, 1-based): chr22:28,734,487, C>A on the plus strand (G>T on the coding strand, the complement: CHEK2 is on the minus strand). VCF-style: chr22-28734487-C-A. GRCh37 (hg19) VCF-style: chr22-29130475-C-A.
Other names: c.235G>T, p.Glu79Ter (NM_001005735.3, NM_001349956.3, NM_145862.3); c.-543G>T (NM_001257387.3); short protein forms E79*.
Identifiers: ClinVar variation 1790143 (VCV001790143.3), dbSNP rs2146146556, ClinGen allele CA411090647.
Genomic context (GRCh38, chr22:28,734,487, plus strand): 5'-GGGCCCATAATCGAGCCCAGGGGGCAGGGGTAGGCTCCTCAGGTTCTTGGTCCTCAGGTT[C>A]TTGGTCCTCAGGAATAGAATAGAGTTCCTGAGTGGACACTGTCTCTAAGGAGCTCAGTGT-3'